The following is an entry in ClinVar:

NM_003631.5(PARG):c.2377A>G (p.Thr793Ala)

Gene: PARG (poly(ADP-ribose) glycohydrolase; minus strand). Cytogenetic location: 10q11.23.
Variant type: single nucleotide variant.
Coding change: c.2377A>G on transcript NM_003631.5 (MANE Select); coding-DNA position 2377, A replaced by G.
Protein change: p.Thr793Ala; replaces threonine 793 with alanine.
Molecular consequence: missense variant. On other transcripts: non-coding transcript variant (7).
Genome position (GRCh38, 1-based): chr10:49,843,609, T>C on the plus strand (A>G on the coding strand, the complement: PARG is on the minus strand). VCF-style: chr10-49843609-T-C. GRCh37 (hg19) VCF-style: chr10-51051655-T-C.
Other names: c.2131A>G, p.Thr711Ala (NM_001303486.3, NM_001324381.3); c.2053A>G, p.Thr685Ala (NM_001303487.3); c.1135A>G, p.Thr379Ala (NM_001303489.3); short protein forms T685A, T793A, T711A, T379A.
Identifiers: ClinVar variation 3304336 (VCV003304336.1).

ClinVar aggregate classification (germline): Uncertain significance (1 of 4 stars; one submission).

Submission:

Ambry Genetics
Classification: Uncertain significance. Last evaluated: 2024-04-15. Review status: criteria provided, single submitter. Criteria: Ambry Variant Classification Scheme 2023. Collection method: clinical testing. Allele origin: germline.
Comment: The c.2377A>G (p.T793A) alteration is located in exon (coding exon ) of the PARG gene. This alteration results from a A to G substitution at nucleotide position 2377, causing the threonine (T) at amino acid position 793 to be replaced by an alanine (A). Based on insufficient or conflicting evidence, the clinical significance of this alteration remains unclear.